The following is an entry in ClinVar:

ClinVar aggregate classification (germline): Uncertain significance (1 of 4 stars; one submission).

Submission:

GeneDx
Classification: Uncertain significance. Last evaluated: 2024-04-19. Review status: criteria provided, single submitter. Criteria: GeneDx Variant Classification Process June 2021. Collection method: clinical testing. Allele origin: germline. Affected: yes.
Comment: Not observed at significant frequency in large population cohorts (gnomAD); In silico analysis supports that this missense variant has a deleterious effect on protein structure/function; Has not been previously published as pathogenic or benign to our knowledge

NM_005444.3(CNOT9):c.171G>T (p.Trp57Cys)

Gene: CNOT9 (CCR4-NOT transcription complex subunit 9; plus strand). Cytogenetic location: 2q35.
Variant type: single nucleotide variant.
Coding change: c.171G>T on transcript NM_005444.3 (MANE Select); coding-DNA position 171, G replaced by T.
Protein change: p.Trp57Cys; replaces tryptophan 57 with cysteine.
Molecular consequence: missense variant. On other transcripts: non-coding transcript variant (1).
Genome position (GRCh38, 1-based): chr2:218,580,707, G>T. VCF-style: chr2-218580707-G-T. GRCh37 (hg19) VCF-style: chr2-219445430-G-T.
Other names: c.171G>T, p.Trp57Cys (NM_001271634.2, NM_001271635.2); short protein forms W57C.
Identifiers: ClinVar variation 3372749 (VCV003372749.1).